The following is an entry in ClinVar:

ClinVar aggregate classification (germline): Pathogenic (0 of 4 stars; one submission).

Conditions:
COL2A1-related disorder. Also called: COL2A1-related condition; COL2A1-related disorders.

Submission:

PreventionGenetics, part of Exact Sciences
Classification: Pathogenic for COL2A1-related condition. Last evaluated: 2024-05-15. Review status: no assertion criteria provided. Collection method: clinical testing. Allele origin: germline.
Comment: The COL2A1 c.928G>T variant is predicted to result in premature protein termination (p.Glu310*). To our knowledge, this variant has not been reported in the literature or in a large population database, indicating this variant is rare. Nonsense variants in COL2A1 are expected to be pathogenic. We interpret this variant as pathogenic.

NM_001844.5(COL2A1):c.928G>T (p.Glu310Ter)

Gene: COL2A1 (collagen type II alpha 1 chain; minus strand). Cytogenetic location: 12q13.11.
Variant type: single nucleotide variant.
Coding change: c.928G>T on transcript NM_001844.5 (MANE Select); coding-DNA position 928, G replaced by T.
Protein change: p.Glu310Ter; replaces glutamic acid 310 with a stop codon.
Molecular consequence: nonsense.
Genome position (GRCh38, 1-based): chr12:47,993,499, C>A on the plus strand (G>T on the coding strand, the complement: COL2A1 is on the minus strand). VCF-style: chr12-47993499-C-A. GRCh37 (hg19) VCF-style: chr12-48387282-C-A.
Other names: c.721G>T, p.Glu241Ter (NM_033150.3); short protein forms E241*, E310*.
Identifiers: ClinVar variation 3347852 (VCV003347852.1).